The following is an entry in ClinVar:

ClinVar aggregate classification (germline): Conflicting classifications of pathogenicity. Review status: criteria provided, conflicting classifications (1 of 4 stars). 3 submissions from 3 submitters: Pathogenic (1); Uncertain significance (2). Last evaluated 2023-02-02.

Conditions:
Cardiovascular phenotype. Identifiers: MedGen CN230736.
Hypertrophic cardiomyopathy. Also called: HYPERTROPHIC MYOCARDIOPATHY. Identifiers: Orphanet 217569, MedGen C0007194, MeSH D002312, MONDO:0005045, HP:0001639.

Allele frequency attached by ClinVar (database versions not stated): gnomAD exomes below 0.00001.
gnomAD v4.1: 1 of 1,611,958 alleles (0.000062%); highest among the groups gnomAD compares: East Asian, 0.0022%; no homozygotes.

Submissions (3):

Labcorp Genetics (formerly Invitae), Labcorp
Classification: Uncertain significance for Hypertrophic cardiomyopathy. Last evaluated: 2023-02-02. Review status: criteria provided, single submitter. Criteria: Invitae Variant Classification Sherloc (09022015). Collection method: clinical testing. Allele origin: germline.
Comment: Experimental studies have shown that this missense change affects MYBPC3 function (PMID: 34097875). Algorithms developed to predict the effect of missense changes on protein structure and function (SIFT, PolyPhen-2, Align-GVGD) all suggest that this variant is likely to be disruptive. ClinVar contains an entry for this variant (Variation ID: 372421). This variant is also known as Gly1205Asp. This missense change has been observed in individuals with hypertrophic cardiomyopathy (PMID: 16566405, 16858239, 27600940). This variant is not present in population databases (gnomAD no frequency). This sequence change replaces glycine, which is neutral and non-polar, with aspartic acid, which is acidic and polar, at codon 1206 of the MYBPC3 protein (p.Gly1206Asp). Studies have shown that this missense change does not affect mRNA splicing (PMID: 28679633). In summary, the available evidence is currently insufficient to determine the role of this variant in disease. Therefore, it has been classified as a Variant of Uncertain Significance.

Ambry Genetics
Classification: Uncertain significance for Cardiovascular phenotype. Last evaluated: 2021-04-06. Review status: criteria provided, single submitter. Criteria: Ambry Variant Classification Scheme 2023. Collection method: clinical testing. Allele origin: germline.
Comment: The p.G1206D variant (also known as c.3617G>A), located in coding exon 32 of the MYBPC3 gene, results from a G to A substitution at nucleotide position 3617. The glycine at codon 1206 is replaced by aspartic acid, an amino acid with similar properties. This alteration has been detected in individuals with hypertrophic cardiomyopathy (HCM), and in HCM cohorts; however, some case reports may overlap. In addition, some cases had limited gene analysis, limited clinical detail, or co-occurrence with other variants (Cardim N et al. Rev Port Cardiol, 2005 Dec;24:1463-76 (reported as Gli1205Asp); Girolami F et al. J Cardiovasc Med (Hagerstown), 2006 Aug;7:601-7; Brito D et al. Rev Port Cardiol, 2012 Sep;31:577-87; Cecconi M et al. Int J Mol Med, 2016 Oct;38:1111-24; Cardoso B et al. Rev Port Cardiol, 2017 Mar;36:155-165; Piras P et al. Exp Physiol, 2019 11;104:1688-1700). This amino acid position is highly conserved in available vertebrate species. In addition, this alteration is predicted to be deleterious by in silico analysis. Since supporting evidence is limited at this time, the clinical significance of this alteration remains unclear.

GeneDx
Classification: Pathogenic. Last evaluated: 2015-08-12. Review status: criteria provided, single submitter. Criteria: GeneDx Variant Classification (06012015). Collection method: clinical testing. Allele origin: germline. Affected: yes.
Comment: The G1206D variant in the MYBPC3 gene has been reported in at least three individuals with HCM (Cardim M et al., 2005; Girolami F et al., 2006; Olivotto I et al., 2008; Brito D et al., 2012). Collectively, G1206D was not observed in 500 control alleles in these studies (Girolami et al., 2006; Olivotto et al., 2008). Furthermore, G1206D was not observed in approximately 6,100 individuals of European and African American ancestry in the NHLBI Exome Sequencing Project, indicating it is not a common benign variant in these populations. G1206D results in a non-conservative amino acid substitution at a position that is conserved across species. Moreover, a missense variant in this same residue (G1206V) and in nearby residues (L1200P, P1208T, W1214R) have been reported in the Human Gene Mutation Database in association with HCM and LVNC (Stenson P et al., 2014), further supporting the functional importance of this residue and this region of the protein. In summary, G1206D in the MYBPC3 gene is interpreted as a pathogenic variant.

Literature cited by the submitters: PubMed 34097875 (cited by Labcorp Genetics (formerly Invitae), Labcorp); PubMed 16566405 (cited by Labcorp Genetics (formerly Invitae), Labcorp and Ambry Genetics); PubMed 16858239 (cited by Labcorp Genetics (formerly Invitae), Labcorp and Ambry Genetics); PubMed 27600940 (cited by Labcorp Genetics (formerly Invitae), Labcorp and Ambry Genetics); PubMed 28679633 (cited by Labcorp Genetics (formerly Invitae), Labcorp); PubMed 18533079 (cited by Ambry Genetics); PubMed 22857948 (cited by Ambry Genetics); PubMed 28214152 (cited by Ambry Genetics); PubMed 31424582 (cited by Ambry Genetics).

NM_000256.3(MYBPC3):c.3617G>A (p.Gly1206Asp)

Gene: MYBPC3 (myosin binding protein C3; minus strand). Cytogenetic location: 11p11.2.
Variant type: single nucleotide variant.
Coding change: c.3617G>A on transcript NM_000256.3 (MANE Select); coding-DNA position 3617, G replaced by A.
Protein change: p.Gly1206Asp; replaces glycine 1206 with aspartic acid.
Molecular consequence: missense variant.
Genome position (GRCh38, 1-based): chr11:47,332,576, C>T on the plus strand (G>A on the coding strand, the complement: MYBPC3 is on the minus strand). VCF-style: chr11-47332576-C-T. GRCh37 (hg19) VCF-style: chr11-47354127-C-T.
Other names: c.3617G>A, p.Gly1206Asp (LRG_386t1); short protein forms G1206D.
Identifiers: ClinVar variation 372421 (VCV000372421.8), dbSNP rs1057517769, ClinGen allele CA16042795.